The following is an entry in ClinVar:

NM_001042750.2(STAG2):c.2924+3A>G

Gene: STAG2 (STAG2 cohesin complex component; plus strand). Cytogenetic location: Xq25.
Variant type: single nucleotide variant.
Coding change: c.2924+3A>G on transcript NM_001042750.2 (MANE Select); 3 bases into the intron after coding-DNA position 2924, A replaced by G.
Molecular consequence: intron variant.
Genome position (GRCh38, 1-based): chrX:124,081,531, A>G. VCF-style: chrX-124081531-A-G. GRCh37 (hg19) VCF-style: chrX-123215381-A-G.
Other names: c.2924+3A>G (NM_001042749.2, NM_001375366.1, NM_001375373.1 and 13 more transcripts).
Identifiers: ClinVar variation 2047926 (VCV002047926.5), dbSNP rs2522282763, ClinGen allele CA2580100302.

ClinVar aggregate classification (germline): Uncertain significance. Review status: criteria provided, multiple submitters, no conflicts (2 of 4 stars). 2 submissions from 2 submitters: Uncertain significance (2). Last evaluated 2024-06-14.

Submissions (2):

Blueprint Genetics
Classification: Uncertain significance. Last evaluated: 2024-06-14. Review status: criteria provided, single submitter. Criteria: ACMG Guidelines, 2015. Collection method: clinical testing. Allele origin: germline.

Labcorp Genetics (formerly Invitae), Labcorp
Classification: Uncertain significance. Last evaluated: 2022-08-16. Review status: criteria provided, single submitter. Criteria: Invitae Variant Classification Sherloc (09022015). Collection method: clinical testing. Allele origin: germline.
Comment: This sequence change falls in intron 28 of the STAG2 gene. It does not directly change the encoded amino acid sequence of the STAG2 protein. It affects a nucleotide within the consensus splice site. This variant is not present in population databases (gnomAD no frequency). This variant has not been reported in the literature in individuals affected with STAG2-related conditions. In summary, the available evidence is currently insufficient to determine the role of this variant in disease. Therefore, it has been classified as a Variant of Uncertain Significance. Variants that disrupt the consensus splice site are a relatively common cause of aberrant splicing (PMID: 17576681, 9536098). Algorithms developed to predict the effect of sequence changes on RNA splicing suggest that this variant may disrupt the consensus splice site.

Literature cited by the submitters: PubMed 17576681 (cited by Labcorp Genetics (formerly Invitae), Labcorp); PubMed 9536098 (cited by Labcorp Genetics (formerly Invitae), Labcorp).